The following is an entry in ClinVar:

NM_015897.4(PIAS4):c.1225G>A (p.Ala409Thr)

Gene: PIAS4 (protein inhibitor of activated STAT 4; plus strand). Cytogenetic location: 19p13.3.
Variant type: single nucleotide variant.
Coding change: c.1225G>A on transcript NM_015897.4 (MANE Select); coding-DNA position 1225, G replaced by A.
Protein change: p.Ala409Thr; replaces alanine 409 with threonine.
Molecular consequence: missense variant.
Genome position (GRCh38, 1-based): chr19:4,037,456, G>A. VCF-style: chr19-4037456-G-A. GRCh37 (hg19) VCF-style: chr19-4037454-G-A.
Other names: c.1225G>A (NM_015897.3); short protein forms A409T.
Identifiers: ClinVar variation 2341456 (VCV002341456.4), dbSNP rs201898018, ClinGen allele CA9090170.

ClinVar aggregate classification (germline): Uncertain significance. Review status: criteria provided, multiple submitters, no conflicts (2 of 4 stars). 2 submissions from 2 submitters: Uncertain significance (2). Last evaluated 2024-12-02.

Conditions:
PIAS4-related disorder. Also called: PIAS4-related condition.

Allele frequency attached by ClinVar (database versions not stated): ExAC 0.00014; ESP Exome Variant Server 0.00023.
gnomAD v4.1: 527 of 1,611,474 alleles (0.033%); highest among the groups gnomAD compares: Non-Finnish European, 0.04%; no homozygotes.

Submissions (2):

Ambry Genetics
Classification: Uncertain significance. Last evaluated: 2024-12-02. Review status: criteria provided, single submitter. Criteria: Ambry Variant Classification Scheme 2023. Collection method: clinical testing. Allele origin: germline.

PreventionGenetics, part of Exact Sciences
Classification: Uncertain significance for PIAS4-related condition. Last evaluated: 2022-09-16. Review status: criteria provided, single submitter. Criteria: ACMG Guidelines, 2015. Collection method: clinical testing. Allele origin: germline.
Comment: The PIAS4 c.1225G>A variant is predicted to result in the amino acid substitution p.Ala409Thr. To our knowledge, this variant has not been reported in the literature. This variant is reported in 0.026% of alleles in individuals of European (Non-Finnish) descent in gnomAD. At this time, the clinical significance of this variant is uncertain due to the absence of conclusive functional and genetic evidence.